The following is an entry in ClinVar:

ClinVar aggregate classification (germline): Uncertain significance (1 of 4 stars; one submission).

Submission:

GeneDx
Classification: Uncertain significance. Last evaluated: 2025-06-02. Review status: criteria provided, single submitter. Criteria: GeneDx Variant Classification Process June 2021. Collection method: clinical testing. Allele origin: germline. Affected: yes.
Comment: Not observed at significant frequency in large population cohorts (gnomAD); In silico analysis suggests that this missense variant does not alter protein structure/function; Has not been previously published as pathogenic or benign to our knowledge

NM_001199799.2(ILDR1):c.1289C>T (p.Ala430Val)

Gene: ILDR1 (immunoglobulin like domain containing receptor 1; minus strand). Cytogenetic location: 3q13.33.
Variant type: single nucleotide variant.
Coding change: c.1289C>T on transcript NM_001199799.2 (MANE Select); coding-DNA position 1289, C replaced by T.
Protein change: p.Ala430Val; replaces alanine 430 with valine.
Molecular consequence: missense variant.
Genome position (GRCh38, 1-based): chr3:121,993,460, G>A on the plus strand (C>T on the coding strand, the complement: ILDR1 is on the minus strand). VCF-style: chr3-121993460-G-A. GRCh37 (hg19) VCF-style: chr3-121712307-G-A.
Other names: c.1022C>T, p.Ala341Val (NM_001199800.2); c.1157C>T, p.Ala386Val (NM_175924.4); short protein forms A341V, A386V, A430V.
Identifiers: ClinVar variation 4536324 (VCV004536324.1).